The following is an entry in ClinVar:

ClinVar aggregate classification (germline): Uncertain significance (1 of 4 stars; one submission).

Submission:

Labcorp Genetics (formerly Invitae), Labcorp
Classification: Uncertain significance. Last evaluated: 2025-02-03. Review status: criteria provided, single submitter. Criteria: Invitae Variant Classification Sherloc (09022015). Collection method: clinical testing. Allele origin: germline.
Comment: This sequence change replaces leucine, which is neutral and non-polar, with valine, which is neutral and non-polar, at codon 141 of the DSG1 protein (p.Leu141Val). This variant is not present in population databases (gnomAD no frequency). This variant has not been reported in the literature in individuals affected with DSG1-related conditions. Invitae Evidence Modeling of protein sequence and biophysical properties (such as structural, functional, and spatial information, amino acid conservation, physicochemical variation, residue mobility, and thermodynamic stability) has been performed for this missense variant. However, the output from this modeling did not meet the statistical confidence thresholds required to predict the impact of this variant on DSG1 protein function. In summary, the available evidence is currently insufficient to determine the role of this variant in disease. Therefore, it has been classified as a Variant of Uncertain Significance.

NM_001942.4(DSG1):c.421C>G (p.Leu141Val)

Gene: DSG1 (desmoglein 1; plus strand). Cytogenetic location: 18q12.1.
Variant type: single nucleotide variant.
Coding change: c.421C>G on transcript NM_001942.4 (MANE Select); coding-DNA position 421, C replaced by G.
Protein change: p.Leu141Val; replaces leucine 141 with valine.
Molecular consequence: missense variant.
Genome position (GRCh38, 1-based): chr18:31,329,940, C>G. VCF-style: chr18-31329940-C-G. GRCh37 (hg19) VCF-style: chr18-28909903-C-G.
Other names: short protein forms L141V.
Identifiers: ClinVar variation 3720879 (VCV003720879.2).